The following is an entry in ClinVar:

NM_001081.4(CUBN):c.4563T>A (p.Ile1521=)

Gene: CUBN (cubilin; minus strand). Cytogenetic location: 10p13.
Variant type: single nucleotide variant.
Coding change: c.4563T>A on transcript NM_001081.4 (MANE Select); coding-DNA position 4563, T replaced by A.
Protein change: p.Ile1521=; no amino-acid change (isoleucine 1521 retained).
Molecular consequence: synonymous variant.
Genome position (GRCh38, 1-based): chr10:16,982,616, A>T on the plus strand (T>A on the coding strand, the complement: CUBN is on the minus strand). VCF-style: chr10-16982616-A-T. GRCh37 (hg19) VCF-style: chr10-17024615-A-T.
Other names: p.Ile1521=.
Identifiers: ClinVar variation 299480 (VCV000299480.20), dbSNP rs1801229, ClinGen allele CA5424331.
Genomic context (GRCh38, chr10:16,982,616, plus strand): 5'-CCGAATGACCCAAGAACAGTCTGTGTTGCTCCTATAAGGACTGGGGTAATTTGGAGAATG[A>T]ATCTCTCCACTGGGAGCCTGGAAAATCCCACCACAACCTGGAAGTGGGGAACACAATTAT-3'
Protein context (NP_001072.2, residues 1511-1531): GGIFQAPSGE[Ile1521=]HSPNYPSPYR

ClinVar aggregate classification (germline): Benign. Review status: criteria provided, multiple submitters, no conflicts (2 of 4 stars). 7 submissions from 7 submitters: Benign (7). Last evaluated 2026-02-04.

Conditions:
Imerslund-Grasbeck syndrome. Also called: ENTEROCYTE COBALAMIN MALABSORPTION; ENTEROCYTE INTRINSIC FACTOR RECEPTOR, DEFECT OF; Imerslund-Gräsbeck syndrome; PERNICIOUS ANEMIA, JUVENILE, DUE TO SELECTIVE INTESTINAL MALABSORPTION OF VITAMIN B12, WITH PROTEINURIA; Megaloblastic anemia due to inborn errors of metabolism. Identifiers: Orphanet 35858, MedGen C4551825, MONDO:0009853.
Imerslund-Grasbeck syndrome type 1 (IGS1). Also called: Megaloblastic anemia 1, Finnish type; MEGALOBLASTIC ANEMIA, 1; Imerslund-Gräsbeck syndrome 1. Identifiers: MedGen C4016819, MONDO:0100156, OMIM 261100.

Allele frequency attached by ClinVar (database versions not stated): 1000 Genomes Project 30x 0.60790; 1000 Genomes Project 0.61382; TOPMed 0.70328; gnomAD 0.73095 and 0.73138; ESP Exome Variant Server 0.74881; gnomAD exomes 0.77027; ExAC 0.77321.
gnomAD v4.1: 1,361,340 of 1,612,786 alleles (84%); highest among the groups gnomAD compares: Non-Finnish European, 90%; 587,786 homozygotes.

Submissions (7):

Labcorp Genetics (formerly Invitae), Labcorp
Classification: Benign for Imerslund-Grasbeck syndrome. Last evaluated: 2026-02-04. Review status: criteria provided, single submitter. Criteria: Invitae Variant Classification Sherloc (09022015). Collection method: clinical testing. Allele origin: germline.

Blueprint Genetics
Classification: Benign. Last evaluated: 2024-11-27. Review status: criteria provided, single submitter. Criteria: ACMG Guidelines, 2015. Collection method: clinical testing. Allele origin: germline.

Mayo Clinic Laboratories, Mayo Clinic
Classification: Benign. Last evaluated: 2022-03-31. Review status: criteria provided, single submitter. Criteria: ACMG Guidelines, 2015. Collection method: clinical testing. Allele origin: germline. Observed: 227 variant alleles.

Genome-Nilou Lab
Classification: Benign for Imerslund-Grasbeck syndrome type 1. Last evaluated: 2021-07-30. Review status: criteria provided, single submitter. Criteria: ACMG Guidelines, 2015. Collection method: clinical testing. Allele origin: germline. Affected: no.

GeneDx
Classification: Benign. Last evaluated: 2018-06-13. Review status: criteria provided, single submitter. Criteria: GeneDx Variant Classification (06012015). Collection method: clinical testing. Allele origin: germline. Affected: yes.
Comment: This variant is considered likely benign or benign based on one or more of the following criteria: it is a conservative change, it occurs at a poorly conserved position in the protein, it is predicted to be benign by multiple in silico algorithms, and/or has population frequency not consistent with disease.

Illumina Laboratory Services, Illumina
Classification: Benign for Imerslund-Grasbeck syndrome type 1. Last evaluated: 2018-01-12. Review status: criteria provided, single submitter. Criteria: ICSL Variant Classification Criteria 13 December 2019. Collection method: clinical testing. Allele origin: germline.
Comment: This variant was observed in the ICSL laboratory as part of a predisposition screen in an ostensibly healthy population. It had not been previously curated by ICSL or reported in the Human Gene Mutation Database (HGMD: prior to June 1st, 2018), and was therefore a candidate for classification through an automated scoring system. Utilizing variant allele frequency, disease prevalence and penetrance estimates, and inheritance mode, an automated score was calculated to assess if this variant is too frequent to cause the disease. Based on the score and internal cut-off values, a variant classified as benign is not then subjected to further curation. The score for this variant resulted in a classification of benign for this disease.

Breakthrough Genomics
Classification: Benign. Review status: criteria provided, single submitter. Criteria: ACMG Guidelines, 2015. Collection method: not provided. Allele origin: germline. Inheritance: Autosomal recessive inheritance. Affected: yes.